The following is an entry in ClinVar:

NM_206937.2(LIG4):c.906del (p.Phe302fs)

Gene: LIG4 (DNA ligase 4; minus strand). Cytogenetic location: 13q33.3.
Variant type: Deletion.
Coding change: c.906del on transcript NM_206937.2 (MANE Select); coding-DNA position 906, one base deleted (T; older notation c.906delT).
Protein change: p.Phe302fs; shifts the reading frame from phenylalanine 302.
Molecular consequence: frameshift variant.
Genome position (GRCh38, 1-based): chr13:108,210,363, A deleted on the plus strand (T on the coding strand, the reverse complement: LIG4 is on the minus strand); the first of 3 consecutive A bases (chr13:108,210,363-108,210,365); deleting any one gives the same sequence. VCF-style (leftmost placement, unchanged base first): chr13-108210362-CA-C. GRCh37 (hg19) VCF-style: chr13-108862710-CA-C.
Other names: c.906del, p.Phe302fs (NM_001098268.2, NM_001352598.2, NM_001352599.2 and 6 more transcripts); c.705del, p.Phe235fs (NM_001330595.2); c.942del, p.Phe314fs (NM_001352604.2); short protein forms F235fs, F302fs, F314fs.
Identifiers: ClinVar variation 3620902 (VCV003620902.2).

ClinVar aggregate classification (germline): Pathogenic (1 of 4 stars; one submission).

Conditions:
DNA ligase IV deficiency. Identifiers: Orphanet 99812, MedGen C1847827, MONDO:0011686, OMIM 606593.

Submission:

Labcorp Genetics (formerly Invitae), Labcorp
Classification: Pathogenic for DNA ligase IV deficiency. Last evaluated: 2024-02-11. Review status: criteria provided, single submitter. Criteria: Invitae Variant Classification Sherloc (09022015). Collection method: clinical testing. Allele origin: germline.
Comment: This sequence change creates a premature translational stop signal (p.Phe302Leufs*31) in the LIG4 gene. While this is not anticipated to result in nonsense mediated decay, it is expected to disrupt the last 610 amino acid(s) of the LIG4 protein. This variant is present in population databases (rs765936816, gnomAD 0.003%). This variant has not been reported in the literature in individuals affected with LIG4-related conditions. This variant disrupts a region of the LIG4 protein in which other variant(s) (p.Arg814*) have been determined to be pathogenic (PMID: 11779494, 15333585, 16088910, 24123394, 24892279, 25239263, 27063650, 27612988). This suggests that this is a clinically significant region of the protein, and that variants that disrupt it are likely to be disease-causing. For these reasons, this variant has been classified as Pathogenic.

Literature cited by the submitters: PubMed 11779494; PubMed 15333585; PubMed 16088910; PubMed 24123394; PubMed 24892279; PubMed 25239263; PubMed 27063650; PubMed 27612988.